The following is an entry in ClinVar:

ClinVar aggregate classification (germline): Uncertain significance (1 of 4 stars; one submission).

Conditions:
Familial cancer of breast. Also called: hereditary breast carcinoma; BREAST CANCER, FAMILIAL; Hereditary breast cancer. Identifiers: Orphanet 227535, MedGen C0346153, MONDO:0016419, OMIM 114480. Disease mechanism: loss of function.

Submission:

Labcorp Genetics (formerly Invitae), Labcorp
Classification: Uncertain significance for Familial cancer of breast. Last evaluated: 2026-01-14. Review status: criteria provided, single submitter. Criteria: Invitae Variant Classification Sherloc (09022015). Collection method: clinical testing. Allele origin: germline.
Comment: This sequence change replaces glutamine, which is neutral and polar, with proline, which is neutral and non-polar, at codon 921 of the PALB2 protein (p.Gln921Pro). This variant is not present in population databases (gnomAD no frequency). This variant has not been reported in the literature in individuals affected with PALB2-related conditions. ClinVar contains an entry for this variant (Variation ID: 856222). Invitae Evidence Modeling of protein sequence and biophysical properties (such as structural, functional, and spatial information, amino acid conservation, physicochemical variation, residue mobility, and thermodynamic stability) indicates that this missense variant is expected to disrupt PALB2 protein function with a positive predictive value of 80%. In summary, the available evidence is currently insufficient to determine the role of this variant in disease. Therefore, it has been classified as a Variant of Uncertain Significance.

NM_024675.4(PALB2):c.2762A>C (p.Gln921Pro)

Gene: PALB2 (partner and localizer of BRCA2; minus strand). Cytogenetic location: 16p12.2.
Variant type: single nucleotide variant.
Coding change: c.2762A>C on transcript NM_024675.4 (MANE Select); coding-DNA position 2762, A replaced by C.
Protein change: p.Gln921Pro; replaces glutamine 921 with proline.
Molecular consequence: missense variant.
Genome position (GRCh38, 1-based): chr16:23,624,081, T>G on the plus strand (A>C on the coding strand, the complement: PALB2 is on the minus strand). VCF-style: chr16-23624081-T-G. GRCh37 (hg19) VCF-style: chr16-23635402-T-G.
Other names: short protein forms Q921P.
Identifiers: ClinVar variation 856222 (VCV000856222.10), dbSNP rs1966827421, ClinGen allele CA395145215.